The following is an entry in ClinVar:

ClinVar aggregate classification (germline): Uncertain significance. Review status: criteria provided, single submitter (1 of 4 stars). 2 submissions from 2 submitters: Uncertain significance (1). 1 of the submissions does not count toward it. Last evaluated 2025-03-17.

Conditions:
MSH3-related disorder. Also called: MSH3-related condition.
Hereditary cancer-predisposing syndrome. Also called: Tumor predisposition; Hereditary Cancer Syndrome; Hereditary neoplastic syndrome; Neoplastic Syndromes, Hereditary. Identifiers: Orphanet 140162, MedGen C0027672, MeSH D009386, MONDO:0015356.

Submissions (2):

Ambry Genetics
Classification: Uncertain significance for Hereditary cancer-predisposing syndrome. Last evaluated: 2025-03-17. Review status: criteria provided, single submitter. Criteria: Ambry Variant Classification Scheme 2023. Collection method: clinical testing. Allele origin: germline.
Comment: The p.L584H variant (also known as c.1751T>A), located in coding exon 12 of the MSH3 gene, results from a T to A substitution at nucleotide position 1751. The leucine at codon 584 is replaced by histidine, an amino acid with similar properties. This amino acid position is highly conserved in available vertebrate species. In addition, this alteration is predicted to be deleterious by in silico analysis. Based on the available evidence, the clinical significance of this variant remains unclear.

PreventionGenetics, part of Exact Sciences
Classification: Uncertain significance for MSH3-related condition. Last evaluated: 2024-06-06. Review status: no assertion criteria provided. Collection method: clinical testing. Allele origin: germline. Not counted in ClinVar's aggregate classification.
Comment: The MSH3 c.1751T>A variant is predicted to result in the amino acid substitution p.Leu584His. To our knowledge, this variant has not been reported in the literature or in a large population database, indicating this variant is rare. At this time, the clinical significance of this variant is uncertain due to the absence of conclusive functional and genetic evidence.

NM_002439.5(MSH3):c.1751T>A (p.Leu584His)

Gene: MSH3 (mutS homolog 3; plus strand). Cytogenetic location: 5q14.1.
Variant type: single nucleotide variant.
Coding change: c.1751T>A on transcript NM_002439.5 (MANE Select); coding-DNA position 1751, T replaced by A.
Protein change: p.Leu584His; replaces leucine 584 with histidine.
Molecular consequence: missense variant.
Genome position (GRCh38, 1-based): chr5:80,744,603, T>A. VCF-style: chr5-80744603-T-A. GRCh37 (hg19) VCF-style: chr5-80040422-T-A.
Other names: c.1751T>A (NM_002439.3); short protein forms L584H.
Identifiers: ClinVar variation 3346933 (VCV003346933.2).